The following is an entry in ClinVar:

ClinVar aggregate classification (germline): Likely pathogenic (1 of 4 stars; one submission).

Conditions:
GRIK2-related disorder. Also called: GRIK2-related condition.

Submission:

Greenwood Genetic Center Diagnostic Laboratories, Greenwood Genetic Center
Classification: Likely pathogenic for GRIK2-related disorder. Last evaluated: 2024-08-02. Review status: criteria provided, single submitter. Criteria: ACMG Guidelines, 2015. Collection method: clinical testing. Allele origin: germline. Affected: yes.
Comment: PS2, PM2

NM_021956.5(GRIK2):c.571G>T (p.Ala191Ser)

Gene: GRIK2 (glutamate ionotropic receptor kainate type subunit 2; plus strand). Cytogenetic location: 6q16.3.
Variant type: single nucleotide variant.
Coding change: c.571G>T on transcript NM_021956.5 (MANE Select); coding-DNA position 571, G replaced by T.
Protein change: p.Ala191Ser; replaces alanine 191 with serine.
Molecular consequence: missense variant.
Genome position (GRCh38, 1-based): chr6:101,676,652, G>T. VCF-style: chr6-101676652-G-T. GRCh37 (hg19) VCF-style: chr6-102124527-G-T.
Other names: c.571G>T, p.Ala191Ser (NM_001166247.1, NM_175768.3); short protein forms A191S.
Identifiers: ClinVar variation 3765562 (VCV003765562.1).
Genomic context (GRCh38, chr6:101,676,652, plus strand): 5'-ATTCTTTTTTTTTTTTCCATTTTAATTAAAGGTCTCATTCGTTTGCAAGAGCTCATCAAA[G>T]CTCCATCAAGGTATAATCTTCGACTCAAAATTCGTCAGTTACCTGCTGATACAAAGGATG-3'
Protein context (NP_068775.1, residues 181-201): GLIRLQELIK[Ala191Ser]PSRYNLRLKI